The following is an entry in ClinVar:

ClinVar aggregate classification (germline): Likely benign. Review status: criteria provided, single submitter (1 of 4 stars). 2 submissions from 2 submitters: Likely benign (1). 1 of the submissions does not count toward it. Last evaluated 2025-01-07.

Conditions:
IFT74-related disorder. Also called: IFT74-Related Disorders; IFT74-related condition.

gnomAD v4.1: 5 of 1,603,074 alleles (0.00031%); highest among the groups gnomAD compares: African/African-American, 0.0013%; no homozygotes.

Submissions (2):

Labcorp Genetics (formerly Invitae), Labcorp
Classification: Likely benign. Last evaluated: 2025-01-07. Review status: criteria provided, single submitter. Criteria: Invitae Variant Classification Sherloc (09022015). Collection method: clinical testing. Allele origin: germline.

PreventionGenetics, part of Exact Sciences
Classification: Likely benign for IFT74-related condition. Last evaluated: 2023-11-09. Review status: no assertion criteria provided. Collection method: clinical testing. Allele origin: germline. Not counted in ClinVar's aggregate classification.
Comment: This variant is classified as likely benign based on ACMG/AMP sequence variant interpretation guidelines (Richards et al. 2015 PMID: 25741868, with internal and published modifications).

NM_025103.4(IFT74):c.1026A>G (p.Gln342=)

Gene: IFT74 (intraflagellar transport 74; plus strand). Cytogenetic location: 9p21.2.
Variant type: single nucleotide variant.
Coding change: c.1026A>G on transcript NM_025103.4 (MANE Select); coding-DNA position 1026, A replaced by G.
Protein change: p.Gln342=; no amino-acid change (glutamine 342 retained).
Molecular consequence: synonymous variant.
Genome position (GRCh38, 1-based): chr9:27,029,076, A>G. VCF-style: chr9-27029076-A-G. GRCh37 (hg19) VCF-style: chr9-27029074-A-G.
Other names: c.1026A>G, p.Gln342= (NM_001099222.3, NM_001099223.3, NM_001099224.3 and 1 more transcripts).
Identifiers: ClinVar variation 3349058 (VCV003349058.3).
Genomic context (GRCh38, chr9:27,029,076, plus strand): 5'-TTTCAACAGGTTAACAGATACAAAAGAAAAGATAAATCAGTTTATTGAAGAAATTAGACA[A>G]CTTGACATGGATTTAGAGGAACACCAAGGTATGCTTCTGGTATTTTTATAATGTAGATTA-3'
Protein context (NP_079379.2, residues 332-352): KINQFIEEIR[Gln342=]LDMDLEEHQG